The following is an entry in ClinVar:

NM_004973.4(JARID2):c.1294C>G (p.Gln432Glu)

Gene: JARID2 (jumonji and AT-rich interaction domain containing 2; plus strand). Cytogenetic location: 6p22.3.
Variant type: single nucleotide variant.
Coding change: c.1294C>G on transcript NM_004973.4 (MANE Select); coding-DNA position 1294, C replaced by G.
Protein change: p.Gln432Glu; replaces glutamine 432 with glutamic acid.
Molecular consequence: missense variant.
Genome position (GRCh38, 1-based): chr6:15,496,519, C>G. VCF-style: chr6-15496519-C-G. GRCh37 (hg19) VCF-style: chr6-15496750-C-G.
Other names: c.778C>G, p.Gln260Glu (NM_001267040.1); short protein forms Q260E, Q432E.
Identifiers: ClinVar variation 5020370 (VCV005020370.1).

ClinVar aggregate classification (germline): Uncertain significance (1 of 4 stars; one submission).

Submission:

Dasa
Classification: Uncertain significance. Last evaluated: 2026-06-15. Review status: criteria provided, single submitter. Criteria: DASA Assertion Criteria. Collection method: clinical testing. Allele origin: germline.
Comment: NM_004973.4(JARID2):c.1294C>G (p.Gln432Glu) is a missense variant that results in the substitution of glutamine with glutamic acid. This variant is rare in population databases. The currently available literature and clinical evidence are not sufficient to establish a definitive association between this variant and the reported condition. Therefore, this variant is classified as a variant of uncertain significance.